The following is an entry in ClinVar:

NM_001145809.2(MYH14):c.5302C>G (p.Arg1768Gly)

Gene: MYH14 (myosin heavy chain 14; plus strand). Cytogenetic location: 19q13.33.
Variant type: single nucleotide variant.
Coding change: c.5302C>G on transcript NM_001145809.2 (MANE Select); coding-DNA position 5302, C replaced by G.
Protein change: p.Arg1768Gly; replaces arginine 1768 with glycine.
Molecular consequence: missense variant.
Genome position (GRCh38, 1-based): chr19:50,293,278, C>G. VCF-style: chr19-50293278-C-G. GRCh37 (hg19) VCF-style: chr19-50796535-C-G.
Other names: c.5203C>G, p.Arg1735Gly (NM_001077186.2); c.5179C>G, p.Arg1727Gly (NM_024729.4); short protein forms R1727G, R1735G, R1768G.
Identifiers: ClinVar variation 3902859 (VCV003902859.1).

ClinVar aggregate classification (germline): Uncertain significance (1 of 4 stars; one submission).

Submission:

GeneDx
Classification: Uncertain significance. Last evaluated: 2024-12-13. Review status: criteria provided, single submitter. Criteria: GeneDx Variant Classification Process June 2021. Collection method: clinical testing. Allele origin: germline. Affected: yes.
Comment: Not observed at significant frequency in large population cohorts (gnomAD); In silico analysis supports that this missense variant has a deleterious effect on protein structure/function; Has not been previously published as pathogenic or benign to our knowledge